The following is an entry in ClinVar:

NM_002582.4(PARN):c.1048T>G (p.Leu350Val)

Gene: PARN (poly(A)-specific ribonuclease; minus strand). Cytogenetic location: 16p13.12.
Variant type: single nucleotide variant.
Coding change: c.1048T>G on transcript NM_002582.4 (MANE Select); coding-DNA position 1048, T replaced by G.
Protein change: p.Leu350Val; replaces leucine 350 with valine.
Molecular consequence: missense variant.
Genome position (GRCh38, 1-based): chr16:14,584,380, A>C on the plus strand (T>G on the coding strand, the complement: PARN is on the minus strand). VCF-style: chr16-14584380-A-C. GRCh37 (hg19) VCF-style: chr16-14678237-A-C.
Other names: c.865T>G, p.Leu289Val (NM_001134477.3); c.910T>G, p.Leu304Val (NM_001242992.2); short protein forms L304V, L350V, L289V.
Identifiers: ClinVar variation 1988431 (VCV001988431.4), dbSNP rs528529286, ClinGen allele CA7912179.

ClinVar aggregate classification (germline): Uncertain significance (1 of 4 stars; one submission).

Conditions:
Dyskeratosis congenita, autosomal recessive 6 (DKCB6). Identifiers: MedGen C4225356, MONDO:0014600, OMIM 616353.
Pulmonary fibrosis and/or bone marrow failure, Telomere-related, 4. Also called: PULMONARY FIBROSIS AND/OR BONE MARROW FAILURE SYNDROME, TELOMERE-RELATED, 4. Identifiers: Orphanet 2032, MedGen C4225347, MONDO:0014612, OMIM 616371.

Allele frequency attached by ClinVar (database versions not stated): gnomAD 0.00002; ExAC 0.00007; 1000 Genomes Project 30x 0.00016; 1000 Genomes Project 0.00020.
gnomAD v4.1: 38 of 1,613,410 alleles (0.0024%); highest among the groups gnomAD compares: South Asian, 0.04%; no homozygotes.

Submission:

Labcorp Genetics (formerly Invitae), Labcorp
Classification: Uncertain significance for Dyskeratosis congenita, autosomal recessive 6; Pulmonary fibrosis and/or bone marrow failure, Telomere-related, 4. Last evaluated: 2023-02-05. Review status: criteria provided, single submitter. Criteria: Invitae Variant Classification Sherloc (09022015). Collection method: clinical testing. Allele origin: germline.
Comment: This variant is present in population databases (rs528529286, gnomAD 0.05%). This variant has not been reported in the literature in individuals affected with PARN-related conditions. Advanced modeling of protein sequence and biophysical properties (such as structural, functional, and spatial information, amino acid conservation, physicochemical variation, residue mobility, and thermodynamic stability) performed at Invitae indicates that this missense variant is not expected to disrupt PARN protein function. In summary, the available evidence is currently insufficient to determine the role of this variant in disease. Therefore, it has been classified as a Variant of Uncertain Significance. This sequence change replaces leucine, which is neutral and non-polar, with valine, which is neutral and non-polar, at codon 350 of the PARN protein (p.Leu350Val).